The following is an entry in ClinVar:

ClinVar aggregate classification (germline): Likely benign. Review status: criteria provided, multiple submitters, no conflicts (2 of 4 stars). 3 submissions from 3 submitters: Likely benign (3). Last evaluated 2026-01-24.

Allele frequency attached by ClinVar (database versions not stated): gnomAD exomes 0.00004 and 0.00007; ExAC 0.00005; TOPMed 0.00005; gnomAD 0.00006 and 0.00007; ESP Exome Variant Server 0.00015.
gnomAD v4.1: 113 of 1,614,054 alleles (0.007%); highest among the groups gnomAD compares: Non-Finnish European, 0.0089%; no homozygotes.

Submissions (3):

Labcorp Genetics (formerly Invitae), Labcorp
Classification: Likely benign. Last evaluated: 2026-01-24. Review status: criteria provided, single submitter. Criteria: Invitae Variant Classification Sherloc (09022015). Collection method: clinical testing. Allele origin: germline.

CeGaT Center for Human Genetics Tuebingen
Classification: Likely benign. Last evaluated: 2026-01-01. Review status: criteria provided, single submitter. Criteria: CeGaT Center For Human Genetics Tuebingen Variant Classification Criteria Version 2. Collection method: clinical testing. Allele origin: germline. Affected: yes. Observed: 1 variant allele.
Comment: ARPC1B: BP4, BP7

Blueprint Genetics
Classification: Likely benign. Last evaluated: 2024-10-14. Review status: criteria provided, single submitter. Criteria: ACMG Guidelines, 2015. Collection method: clinical testing. Allele origin: germline.

NM_005720.4(ARPC1B):c.114C>T (p.Ser38=)

Gene: ARPC1B (actin related protein 2/3 complex subunit 1B; plus strand). Cytogenetic location: 7q22.1.
Variant type: single nucleotide variant.
Coding change: c.114C>T on transcript NM_005720.4 (MANE Select); coding-DNA position 114, C replaced by T.
Protein change: p.Ser38=; no amino-acid change (serine 38 retained).
Molecular consequence: synonymous variant.
Genome position (GRCh38, 1-based): chr7:99,386,734, C>T. VCF-style: chr7-99386734-C-T. GRCh37 (hg19) VCF-style: chr7-98984357-C-T.
Identifiers: ClinVar variation 1622175 (VCV001622175.13), dbSNP rs144704984, ClinGen allele CA4363903.